The following is an entry in ClinVar:

NM_001283009.2(RTEL1):c.2560C>T (p.His854Tyr)

Genes: RTEL1 (regulator of telomere elongation helicase 1; plus strand), RTEL1-TNFRSF6B (RTEL1-TNFRSF6B readthrough (NMD candidate); plus strand). Cytogenetic location: 20q13.33.
Variant type: single nucleotide variant.
Coding change: c.2560C>T on transcript NM_001283009.2 (MANE Select); coding-DNA position 2560, C replaced by T.
Protein change: p.His854Tyr; replaces histidine 854 with tyrosine.
Molecular consequence: missense variant. On other transcripts: non-coding transcript variant (1).
Genome position (GRCh38, 1-based): chr20:63,691,745, C>T. VCF-style: chr20-63691745-C-T. GRCh37 (hg19) VCF-style: chr20-62323098-C-T.
Other names: c.1891C>T, p.His631Tyr (NM_001283010.1); c.2560C>T, p.His854Tyr (NM_016434.4); c.2632C>T, p.His878Tyr (NM_032957.5); short protein forms H854Y, H631Y, H878Y.
Identifiers: ClinVar variation 5028462 (VCV005028462.1).
Genomic context (GRCh38, chr20:63,691,745, plus strand): 5'-GGACCCCAGAGTGTGTGGTTGGGGTCTGTGTGTGGTTGTGAGCTGTGTCCTCCTCAGGCC[C>T]ACAGCTGCTCCACCCTGTCCCTCCTGTCTGAGAAGAGGCCGGCAGAAGAACCGCGAGGAG-3'
Protein context (NP_001269938.1, residues 844-864): RAGSPGEEQA[His854Tyr]SCSTLSLLSE

ClinVar aggregate classification (germline): Uncertain significance (1 of 4 stars; one submission).

Conditions:
Inborn genetic diseases. Identifiers: MedGen C0950123, MeSH D030342.

Submission:

Ambry Genetics
Classification: Uncertain significance for Inborn genetic diseases. Last evaluated: 2026-06-19. Review status: criteria provided, single submitter. Criteria: Ambry Variant Classification Scheme 2023. Collection method: clinical testing. Allele origin: germline.
Comment: The p.H854Y variant (also known as c.2560C>T), located in coding exon 27 of the RTEL1 gene, results from a C to T substitution at nucleotide position 2560. The histidine at codon 854 is replaced by tyrosine, an amino acid with similar properties. This amino acid position is conserved. In addition, this alteration is predicted to be tolerated by in silico analysis. Based on the available evidence, the clinical significance of this variant remains unclear.